The following is an entry in ClinVar:

ClinVar aggregate classification (germline): Uncertain significance. Review status: criteria provided, multiple submitters, no conflicts (2 of 4 stars). 11 submissions from 11 submitters: Uncertain significance (10). 1 of the submissions does not count toward it. Last evaluated 2026-01-31.

Conditions:
CHEK2-related cancer predisposition (TPDS4). Also called: TUMOR PREDISPOSITION SYNDROME 4; CANCER PREDISPOSITION SYNDROME, CHEK2-RELATED; CHEK2-related cancer susceptibility. Identifiers: Orphanet 524, MedGen C5882668, MONDO:0700271, OMIM 609265.
Bone osteosarcoma. Also called: Osteosarcoma, somatic. Identifiers: Orphanet 668, MedGen C0585442, MONDO:0002629, OMIM 259500.
Familial prostate cancer. Also called: Hereditary Prostate Cancer. Identifiers: MedGen C2931456, MONDO:0700275, OMIM 176807.
Hereditary cancer-predisposing syndrome. Also called: Neoplastic Syndromes, Hereditary; Hereditary neoplastic syndrome; Hereditary Cancer Syndrome; Tumor predisposition. Identifiers: Orphanet 140162, MedGen C0027672, MeSH D009386, MONDO:0015356.
Familial cancer of breast. Also called: BREAST CANCER, FAMILIAL; hereditary breast carcinoma; Hereditary breast cancer. Identifiers: Orphanet 227535, MedGen C0346153, MONDO:0016419, OMIM 114480. Disease mechanism: loss of function.

Submissions (11):

Labcorp Genetics (formerly Invitae), Labcorp
Classification: Uncertain significance for Familial cancer of breast. Last evaluated: 2026-01-31. Review status: criteria provided, single submitter. Criteria: Invitae Variant Classification Sherloc (09022015). Collection method: clinical testing. Allele origin: germline.
Comment: This sequence change is expected to alter the c-terminus of the CHEK2 protein (p.Thr533Glnfs*33). While this is not anticipated to result in nonsense mediated decay, it is expected to disrupt the last 11 amino acid(s) of the CHEK2 protein and extend the protein by 21 additional amino acid residues. The frequency data for this variant in the population databases is considered unreliable, as metrics indicate poor data quality at this position in the gnomAD database. This frameshift has been observed in individual(s) with breast cancer (PMID: 30303537, 34326862). ClinVar contains an entry for this variant (Variation ID: 141133). Experimental studies and prediction algorithms are not available or were not evaluated, and the functional significance of this variant is currently unknown. In summary, the available evidence is currently insufficient to determine the role of this variant in disease. Therefore, it has been classified as a Variant of Uncertain Significance.

Molecular Diagnostics Laboratory, Catalan Institute of Oncology
Classification: Uncertain significance for Hereditary cancer-predisposing syndrome. Last evaluated: 2025-05-29. Review status: criteria provided, single submitter. Criteria: ACMG Guidelines, 2015. Collection method: clinical testing. Allele origin: germline.
Comment: PVS1_Moderate, PM2 c.1596del, located in the last exon of the CHEK2 gene (exon 15), consists in the deletion of 1 nucleotide not predicted to undergo NMD. It is expected to disrupt the last 11 amino acids of the protein, which is less than the 10% of the protein, and extend the protein by 21 additional amino acid residues p.(Thr533GlnfsTer33) (PVS1_Moderate).This variant is found in 3/253780 alleles at a frequency of 0,0012% in the gnomAD v2.1.1 database, non-cancer dataset (PM2_Supporting). The SpliceAI algorithm predicts no significant impact on splicing. To our knowledge, neither relevant clinical data nor well-established functional studies have been reported for this variant. It has been reported in the ClinVar database (8x uncertain significance) but not in the LOVD database. Based on currently available information, the variant c.1596del should be considered an uncertain significance variant according to ACMG guidelines.

Quest Diagnostics Nichols Institute San Juan Capistrano
Classification: Uncertain significance. Last evaluated: 2025-05-13. Review status: criteria provided, single submitter. Criteria: Quest Diagnostics criteria. Collection method: clinical testing. Allele origin: unknown.
Comment: The CHEK2 c.1596del (p.Thr533Glnfs*33) variant alters the translational reading frame of the CHEK2 mRNA and is predicted to cause the premature termination of CHEK2 protein synthesis. This variant has been reported in an individual with breast cancer (PMIDs: 30303537 (2019)), as well as in an individual with both breast cancer and melanoma (PMID: 34326862 (2021)).The frequency of this variant in the general population (Genome Aggregation Database) is uninformative in the assessment of its pathogenicity. Based on the available information, we are unable to determine the clinical significance of this variant.

Ambry Genetics
Classification: Uncertain significance for Hereditary cancer-predisposing syndrome. Last evaluated: 2024-12-06. Review status: criteria provided, single submitter. Criteria: Ambry Variant Classification Scheme 2023. Collection method: clinical testing. Allele origin: germline.
Comment: The c.1596delC variant, located in coding exon 14 of the CHEK2 gene, results from a deletion of one nucleotide at nucleotide position 1596, causing a translational frameshift with a predicted alternate stop codon (p.T533Qfs*33). This variant has been reported in patients with breast cancer, melanoma and renal cell carcinoma (Girard E et al. Int J Cancer, 2019 Apr;144:1962-1974; Glennon KI et al. JCO Precis Oncol, 2024 Jul;8:e2400094; Bhai P et al. Front Genet, 2021 Jul;12:698595). This deletion and subsequent frameshift occur near the 3' terminus of CHEK2 and result in removal of the last 11 amino acids of CHK2 and insertion of 32 amino acids to the C-terminus, resulting in the elongation of the protein by 21 amino acids. The exact functional impact of these inserted amino acids is unknown at this time. Since supporting evidence is limited at this time, the clinical significance of this alteration remains unclear.

Molecular Pathology, Peter Maccallum Cancer Centre
Classification: Uncertain significance for Familial cancer of breast. Last evaluated: 2024-08-29. Review status: criteria provided, single submitter. Criteria: ACMG Guidelines, 2015. Collection method: clinical testing. Allele origin: germline. Inheritance: Autosomal dominant inheritance.

CeGaT Center for Human Genetics Tuebingen
Classification: Uncertain significance. Last evaluated: 2024-03-01. Review status: criteria provided, single submitter. Criteria: CeGaT Center For Human Genetics Tuebingen Variant Classification Criteria Version 2. Collection method: clinical testing. Allele origin: germline. Affected: yes. Observed: 1 variant allele.

Color Diagnostics, LLC DBA Color Health
Classification: Uncertain significance for Hereditary cancer-predisposing syndrome. Last evaluated: 2024-02-13. Review status: criteria provided, single submitter. Criteria: ACMG Guidelines, 2015. Collection method: clinical testing. Allele origin: germline.
Comment: This variant deletes 1 nucleotide in exon 15 of the CHEK2 gene, creating a frameshift at codon 533, replacing the last 11 amino acids and extends the length of the encoded protein by 21 amino acids. To our knowledge, functional studies have not been reported for this variant. This variant has been reported in two individuals affected with familial breast cancer who lack pathogenic variants in the BRCA1 or BRCA2 gene (PMID: 30303537) and in an individual with early-onset breast cancer (Color data). This variant has been identified in 3/265102 chromosomes in the general population by the Genome Aggregation Database (gnomAD). The available evidence is insufficient to determine the role of this variant in disease conclusively. Therefore, this variant is classified as a Variant of Uncertain Significance.

Department of Pathology and Laboratory Medicine, Sinai Health System
Classification: Uncertain significance for Familial prostate cancer; Bone osteosarcoma; CHEK2-related cancer predisposition. Last evaluated: 2023-10-27. Review status: criteria provided, single submitter. Criteria: ACMG Guidelines, 2015. Collection method: clinical testing. Allele origin: germline. Affected: no.

GeneDx
Classification: Uncertain significance. Last evaluated: 2022-05-02. Review status: criteria provided, single submitter. Criteria: GeneDx Variant Classification Process June 2021. Collection method: clinical testing. Allele origin: germline. Affected: yes.
Comment: Not observed at significant frequency in large population cohorts (gnomAD); Frameshift variant predicted to result in protein truncation as the last 11 amino acids are replaced with 32 different amino acids, although loss-of-function variants have not been reported downstream of this position in the protein; Observed in individuals with breast cancer (Girard 2019); This variant is associated with the following publications: (PMID: 29615459, 30303537)

Genetics and Molecular Pathology, SA Pathology
Classification: Uncertain significance for Familial cancer of breast. Last evaluated: 2021-08-27. Review status: criteria provided, single submitter. Criteria: ACMG Guidelines, 2015. Collection method: clinical testing. Allele origin: germline. Affected: yes.

Counsyl
Classification: Uncertain significance for Familial cancer of breast. Last evaluated: 2017-10-20. Review status: no assertion criteria provided. Collection method: clinical testing. Allele origin: unknown. Not counted in ClinVar's aggregate classification.

Literature cited by the submitters: PubMed 30303537 (cited by 5 submitters); PubMed 34326862 (cited by 3 submitters); PubMed 39088769 (cited by Ambry Genetics); PubMed 29615459 (cited by Department of Pathology and Laboratory Medicine, Sinai Health System); PubMed 36315097 (cited by Department of Pathology and Laboratory Medicine, Sinai Health System).

NM_007194.4(CHEK2):c.1596del (p.Thr533fs)

Gene: CHEK2 (checkpoint kinase 2; minus strand). Cytogenetic location: 22q12.1.
Variant type: Deletion.
Coding change: c.1596del on transcript NM_007194.4 (MANE Select); coding-DNA position 1596, one base deleted (C; older notation c.1596delC).
Protein change: p.Thr533fs; shifts the reading frame from threonine 533.
Molecular consequence: frameshift variant.
Genome position (GRCh38, 1-based): chr22:28,687,933, G deleted on the plus strand (C on the coding strand, the reverse complement: CHEK2 is on the minus strand); the first of 2 consecutive G bases (chr22:28,687,933-28,687,934); deleting either gives the same sequence. VCF-style (leftmost placement, unchanged base first): chr22-28687932-TG-T. GRCh37 (hg19) VCF-style: chr22-29083920-TG-T.
Other names: c.1596del (NM_007194.3); c.1596delC (NM_007194.4); c.1724delC, p.Thr576Glnfs (NM_001005735.3); c.932delC, p.Thr312Glnfs (NM_001257387.3); c.1394delC, p.Thr466Glnfs (NM_001349956.3); c.1508delC, p.Thr504Glnfs (NM_145862.3); short protein forms T312fs, T504fs, T533fs, T466fs, T576fs.
Identifiers: ClinVar variation 141133 (VCV000141133.47), dbSNP rs587781519, ClinGen allele CA294075.